The following is an entry in ClinVar:

ClinVar aggregate classification (germline): Uncertain significance (1 of 4 stars; one submission).

Allele frequency attached by ClinVar (database versions not stated): gnomAD exomes below 0.00001.
gnomAD v4.1: 3 of 1,613,760 alleles (0.00019%); highest among the groups gnomAD compares: Non-Finnish European, 0.00025%; no homozygotes.

Submission:

Ambry Genetics
Classification: Uncertain significance. Last evaluated: 2022-05-18. Review status: criteria provided, single submitter. Criteria: Ambry Variant Classification Scheme 2023. Collection method: clinical testing. Allele origin: germline.
Comment: The p.Y788H variant (also known as c.2362T>C), located in coding exon 21 of the PRKDC gene, results from a T to C substitution at nucleotide position 2362. The tyrosine at codon 788 is replaced by histidine, an amino acid with similar properties. This amino acid position is conserved. In addition, this alteration is predicted to be tolerated by in silico analysis. Since supporting evidence is limited at this time, the clinical significance of this alteration remains unclear.

NM_006904.7(PRKDC):c.2362T>C (p.Tyr788His)

Gene: PRKDC (protein kinase, DNA-activated, catalytic subunit; minus strand). Cytogenetic location: 8q11.21.
Variant type: single nucleotide variant.
Coding change: c.2362T>C on transcript NM_006904.7 (MANE Select); coding-DNA position 2362, T replaced by C.
Protein change: p.Tyr788His; replaces tyrosine 788 with histidine.
Molecular consequence: missense variant.
Genome position (GRCh38, 1-based): chr8:47,927,251, A>G on the plus strand (T>C on the coding strand, the complement: PRKDC is on the minus strand). VCF-style: chr8-47927251-A-G. GRCh37 (hg19) VCF-style: chr8-48839811-A-G.
Other names: c.2362T>C, p.Tyr788His (NM_001081640.2); short protein forms Y788H.
Identifiers: ClinVar variation 1790182 (VCV001790182.2), dbSNP rs2551878130, ClinGen allele CA371161761.